The following is an entry in ClinVar:

NM_000088.4(COL1A1):c.2595C>T (p.Arg865=)

Gene: COL1A1 (collagen type I alpha 1 chain; minus strand). Cytogenetic location: 17q21.33.
Variant type: single nucleotide variant.
Coding change: c.2595C>T on transcript NM_000088.4 (MANE Select); coding-DNA position 2595, C replaced by T.
Protein change: p.Arg865=; no amino-acid change (arginine 865 retained).
Molecular consequence: synonymous variant.
Genome position (GRCh38, 1-based): chr17:50,189,877, G>A on the plus strand (C>T on the coding strand, the complement: COL1A1 is on the minus strand). VCF-style: chr17-50189877-G-A. GRCh37 (hg19) VCF-style: chr17-48267238-G-A.
Other names: p.Arg865=.
Identifiers: ClinVar variation 35915 (VCV000035915.58), dbSNP rs117672175, ClinGen allele CA202652.

ClinVar aggregate classification (germline): Conflicting classifications of pathogenicity. Review status: criteria provided, conflicting classifications (1 of 4 stars). 13 submissions from 11 submitters: Uncertain significance (1); Benign (6); Likely benign (6). Last evaluated 2026-03-01.

Conditions:
Cardiovascular phenotype. Identifiers: MedGen CN230736.
Ehlers-Danlos syndrome (EDS). Identifiers: Orphanet 98249, MedGen C0013720, MONDO:0020066.
Infantile cortical hyperostosis. Also called: Caffey Disease; Hyperostosis, Cortical, Congenital; P1PK BLOOD GROUP SYSTEM, P(2) PHENOTYPE. Identifiers: Orphanet 1310, MedGen C0020497, MONDO:0007244, OMIM 114000.
Osteogenesis imperfecta (OI). Identifiers: Orphanet 666, MedGen C0029434, MeSH D010013, MONDO:0019019.
Ehlers-Danlos syndrome, arthrochalasia type. Also called: Ehlers-Danlos syndrome, arthrochalasia type, 1; ARTHROCHALASIS MULTIPLEX CONGENITA; EDS VII, MUTANT PROCOLLAGEN TYPE; EDS VIIA; Ehlers-Danlos syndrome, arthrochalasis type. Identifiers: Orphanet 1899, Orphanet 99875, Orphanet 99876, MedGen C4551623, MONDO:0007525, OMIM 130060.
Osteogenesis imperfecta type I (OI1). Also called: Osteogenesis imperfecta type 1; OI, TYPE I; OSTEOGENESIS IMPERFECTA TARDA; OSTEOGENESIS IMPERFECTA WITH BLUE SCLERAE; Lobstein disease; Classic Non-deforming Osteogenesis Imperfecta with Blue Sclerae. Identifiers: Orphanet 216796, Orphanet 666, MedGen C0023931, MONDO:0008146, OMIM 166200. Disease mechanism: loss of function.

Allele frequency attached by ClinVar (database versions not stated): 1000 Genomes Project 30x 0.00016; 1000 Genomes Project 0.00020; gnomAD exomes 0.00058; TOPMed 0.00063; ExAC 0.00065; gnomAD 0.00068 and 0.00073; ESP Exome Variant Server 0.00077.
gnomAD v4.1: 1,989 of 1,609,402 alleles (0.12%); highest among the groups gnomAD compares: Non-Finnish European, 0.16%; 1 homozygote.

Submissions (13):

CeGaT Center for Human Genetics Tuebingen
Classification: Likely benign. Last evaluated: 2026-03-01. Review status: criteria provided, single submitter. Criteria: CeGaT Center For Human Genetics Tuebingen Variant Classification Criteria Version 2. Collection method: clinical testing. Allele origin: germline. Affected: yes. Observed: 4 variant alleles.
Comment: COL1A1: BP4, BP7

Labcorp Genetics (formerly Invitae), Labcorp
Classification: Benign for Osteogenesis imperfecta type I. Last evaluated: 2026-01-26. Review status: criteria provided, single submitter. Criteria: Invitae Variant Classification Sherloc (09022015). Collection method: clinical testing. Allele origin: germline.

Mayo Clinic Laboratories, Mayo Clinic
Classification: Likely benign. Last evaluated: 2025-01-20. Review status: criteria provided, single submitter. Criteria: ACMG Guidelines, 2015. Collection method: clinical testing. Allele origin: germline. Observed: 14 variant alleles.
Comment: BS1, BP4, BP7

ARUP Laboratories, Molecular Genetics and Genomics, ARUP Laboratories
Classification: Benign. Last evaluated: 2024-12-31. Review status: criteria provided, single submitter. Criteria: ARUP Molecular Germline Variant Investigation Process 2024. Collection method: clinical testing. Allele origin: germline.

Blueprint Genetics
Classification: Likely benign. Last evaluated: 2024-10-09. Review status: criteria provided, single submitter. Criteria: ACMG Guidelines, 2015. Collection method: clinical testing. Allele origin: germline.

Women's Health and Genetics/Laboratory Corporation of America, LabCorp
Classification: Benign. Last evaluated: 2024-06-19. Review status: criteria provided, single submitter. Criteria: LabCorp Variant Classification Summary - May 2015. Collection method: clinical testing. Allele origin: germline.

Genome Diagnostics Laboratory, The Hospital for Sick Children
Classification: Likely benign for Ehlers-Danlos syndrome. Last evaluated: 2021-11-29. Review status: criteria provided, single submitter. Criteria: ACMG Guidelines, 2015. Collection method: clinical testing. Allele origin: germline.

GeneDx
Classification: Likely benign. Last evaluated: 2021-04-19. Review status: criteria provided, single submitter. Criteria: GeneDx Variant Classification Process June 2021. Collection method: clinical testing. Allele origin: germline. Affected: yes.

Ambry Genetics
Classification: Benign for Cardiovascular phenotype. Last evaluated: 2020-03-19. Review status: criteria provided, single submitter. Criteria: Ambry Variant Classification Scheme 2023. Collection method: clinical testing. Allele origin: germline.

Illumina Laboratory Services, Illumina
Classification: Benign for Ehlers-Danlos syndrome, arthrochalasia type. Last evaluated: 2018-01-12. Review status: criteria provided, single submitter. Criteria: ICSL Variant Classification Criteria 13 December 2019. Collection method: clinical testing. Allele origin: germline.
Comment: This variant was observed in the ICSL laboratory as part of a predisposition screen in an ostensibly healthy population. It had not been previously curated by ICSL or reported in the Human Gene Mutation Database (HGMD: prior to June 1st, 2018), and was therefore a candidate for classification through an automated scoring system. Utilizing variant allele frequency, disease prevalence and penetrance estimates, and inheritance mode, an automated score was calculated to assess if this variant is too frequent to cause the disease. Based on the score and internal cut-off values, a variant classified as benign is not then subjected to further curation. The score for this variant resulted in a classification of benign for this disease.

Illumina Laboratory Services, Illumina
Classification: Uncertain significance for Infantile cortical hyperostosis. Last evaluated: 2018-01-12. Review status: criteria provided, single submitter. Criteria: ICSL Variant Classification Criteria 13 December 2019. Collection method: clinical testing. Allele origin: germline.

Illumina Laboratory Services, Illumina
Classification: Benign for Osteogenesis imperfecta. Last evaluated: 2018-01-12. Review status: criteria provided, single submitter. Criteria: ICSL Variant Classification Criteria 13 December 2019. Collection method: clinical testing. Allele origin: germline.
Comment: the same text as in the submission from Illumina Laboratory Services, Illumina above.

Eurofins Ntd Llc (ga)
Classification: Likely benign. Last evaluated: 2015-03-30. Review status: criteria provided, single submitter. Criteria: EGL Classification Definitions 2015. Collection method: clinical testing. Allele origin: germline. Observed: 1 variant allele, 1 heterozygote.